The following is an entry in ClinVar:

ClinVar aggregate classification (germline): Uncertain significance (1 of 4 stars; one submission).

gnomAD v4.1: 21 of 1,613,934 alleles (0.0013%); highest among the groups gnomAD compares: Admixed American, 0.0033%; no homozygotes.

Submission:

Labcorp Genetics (formerly Invitae), Labcorp
Classification: Uncertain significance. Last evaluated: 2025-10-27. Review status: criteria provided, single submitter. Criteria: Invitae Variant Classification Sherloc (09022015). Collection method: clinical testing. Allele origin: germline.
Comment: This sequence change replaces lysine, which is basic and polar, with glutamic acid, which is acidic and polar, at codon 785 of the ERBIN protein (p.Lys785Glu). This variant is present in population databases (rs372128063, gnomAD 0.004%). This variant has not been reported in the literature in individuals affected with ERBIN-related conditions. An algorithm developed to predict the effect of missense changes on protein structure and function (PolyPhen-2) suggests that this variant is likely to be tolerated. In summary, the available evidence is currently insufficient to determine the role of this variant in disease. Therefore, it has been classified as a Variant of Uncertain Significance.

NM_001253697.2(ERBIN):c.2353A>G (p.Lys785Glu)

Gene: ERBIN (erbb2 interacting protein; plus strand). Cytogenetic location: 5q12.3.
Variant type: single nucleotide variant.
Coding change: c.2353A>G on transcript NM_001253697.2 (MANE Select); coding-DNA position 2353, A replaced by G.
Protein change: p.Lys785Glu; replaces lysine 785 with glutamic acid.
Molecular consequence: missense variant.
Genome position (GRCh38, 1-based): chr5:66,053,671, A>G. VCF-style: chr5-66053671-A-G. GRCh37 (hg19) VCF-style: chr5-65349499-A-G.
Other names: c.2353A>G, p.Lys785Glu (NM_001006600.3, NM_001253698.2, NM_001253699.2 and 1 more transcripts); c.2341A>G, p.Lys781Glu (NM_001253701.2); short protein forms K785E, K781E.
Identifiers: ClinVar variation 4748091 (VCV004748091.1).